The following is an entry in ClinVar:

NM_004286.5(GTPBP1):c.1799C>T (p.Thr600Met)

Gene: GTPBP1 (GTP binding protein 1; plus strand). Cytogenetic location: 22q13.1.
Variant type: single nucleotide variant.
Coding change: c.1799C>T on transcript NM_004286.5 (MANE Select); coding-DNA position 1799, C replaced by T.
Protein change: p.Thr600Met; replaces threonine 600 with methionine.
Molecular consequence: missense variant.
Genome position (GRCh38, 1-based): chr22:38,729,544, C>T. VCF-style: chr22-38729544-C-T. GRCh37 (hg19) VCF-style: chr22-39125549-C-T.
Other names: short protein forms T600M.
Identifiers: ClinVar variation 4083604 (VCV004083604.8).

ClinVar aggregate classification (germline): Benign (1 of 4 stars; one submission).

gnomAD v4.1: 14,316 of 1,607,380 alleles (0.89%); highest among the groups gnomAD compares: Non-Finnish European, 1%; 85 homozygotes.

Submission:

CeGaT Center for Human Genetics Tuebingen
Classification: Benign. Last evaluated: 2025-08-01. Review status: criteria provided, single submitter. Criteria: CeGaT Center For Human Genetics Tuebingen Variant Classification Criteria Version 2. Collection method: clinical testing. Allele origin: germline. Affected: yes. Observed: 1 variant allele.
Comment: GTPBP1: BP4, BS1, BS2